The following is an entry in ClinVar:

ClinVar aggregate classification (germline): Uncertain significance (1 of 4 stars; one submission).

Conditions:
Inborn genetic diseases. Identifiers: MedGen C0950123, MeSH D030342.

Submission:

Ambry Genetics
Classification: Uncertain significance for Inborn genetic diseases. Last evaluated: 2026-05-27. Review status: criteria provided, single submitter. Criteria: Ambry Variant Classification Scheme 2023. Collection method: clinical testing. Allele origin: germline.
Comment: The p.A845E variant (also known as c.2534C>A), located in coding exon 26 of the RTEL1 gene, results from a C to A substitution at nucleotide position 2534. The alanine at codon 845 is replaced by glutamic acid, an amino acid with dissimilar properties. This amino acid position is conserved. In addition, this alteration is predicted to be tolerated by in silico analysis. Based on the available evidence, the clinical significance of this variant remains unclear.

NM_001283009.2(RTEL1):c.2534C>A (p.Ala845Glu)

Genes: RTEL1 (regulator of telomere elongation helicase 1; plus strand), RTEL1-TNFRSF6B (RTEL1-TNFRSF6B readthrough (NMD candidate); plus strand). Cytogenetic location: 20q13.33.
Variant type: single nucleotide variant.
Coding change: c.2534C>A on transcript NM_001283009.2 (MANE Select); coding-DNA position 2534, C replaced by A.
Protein change: p.Ala845Glu; replaces alanine 845 with glutamic acid.
Molecular consequence: missense variant. On other transcripts: non-coding transcript variant (1).
Genome position (GRCh38, 1-based): chr20:63,690,925, C>A. VCF-style: chr20-63690925-C-A. GRCh37 (hg19) VCF-style: chr20-62322278-C-A.
Other names: c.1865C>A, p.Ala622Glu (NM_001283010.1); c.2534C>A, p.Ala845Glu (NM_016434.4); c.2606C>A, p.Ala869Glu (NM_032957.5); short protein forms A622E, A845E, A869E.
Identifiers: ClinVar variation 4863603 (VCV004863603.1).
Genomic context (GRCh38, chr20:63,690,925, plus strand): 5'-TTCCTGCCCGGCAGAGGCCCAGGGGGCTGCTGGCCGCCCTGGAGCACAGCGAACAGCGGG[C>A]GGGGAGCCCTGGCGAGGAGCAGGTACAGTTCCAGGGCCTTGGGATGGACACAGACCCTCT-3'
Protein context (NP_001269938.1, residues 835-855): LAALEHSEQR[Ala845Glu]GSPGEEQAHS